The following is an entry in ClinVar:

ClinVar aggregate classification (germline): Benign. Review status: criteria provided, multiple submitters, no conflicts (2 of 4 stars). 3 submissions from 3 submitters: Benign (2). 1 of the submissions does not count toward it. Last evaluated 2025-11-17.

Conditions:
OTOG-related disorder. Also called: OTOG-related condition.

Allele frequency attached by ClinVar (database versions not stated): gnomAD 0.00003 and 0.00022; TOPMed 0.00004; gnomAD exomes 0.00040 and 0.00114; 1000 Genomes Project 30x 0.00078; 1000 Genomes Project 0.00080; ExAC 0.00385.
gnomAD v4.1: 584 of 1,549,004 alleles (0.038%); highest among the groups gnomAD compares: South Asian, 0.65%; 12 homozygotes.

Submissions (3):

Labcorp Genetics (formerly Invitae), Labcorp
Classification: Benign. Last evaluated: 2025-11-17. Review status: criteria provided, single submitter. Criteria: Invitae Variant Classification Sherloc (09022015). Collection method: clinical testing. Allele origin: germline.

GeneDx
Classification: Benign. Last evaluated: 2021-05-05. Review status: criteria provided, single submitter. Criteria: GeneDx Variant Classification Process June 2021. Collection method: clinical testing. Allele origin: germline. Affected: yes.

PreventionGenetics, part of Exact Sciences
Classification: Benign for OTOG-related condition. Last evaluated: 2019-10-03. Review status: no assertion criteria provided. Collection method: clinical testing. Allele origin: germline. Not counted in ClinVar's aggregate classification.
Comment: This variant is classified as benign based on ACMG/AMP sequence variant interpretation guidelines (Richards et al. 2015 PMID: 25741868, with internal and published modifications).

NM_001292063.2(OTOG):c.7229G>A (p.Arg2410Gln)

Gene: OTOG (otogelin; plus strand). Cytogenetic location: 11p15.1.
Variant type: single nucleotide variant.
Coding change: c.7229G>A on transcript NM_001292063.2 (MANE Select); coding-DNA position 7229, G replaced by A.
Protein change: p.Arg2410Gln; replaces arginine 2410 with glutamine.
Molecular consequence: missense variant.
Genome position (GRCh38, 1-based): chr11:17,633,836, G>A. VCF-style: chr11-17633836-G-A. GRCh37 (hg19) VCF-style: chr11-17655383-G-A.
Other names: c.7265G>A, p.Arg2422Gln (NM_001277269.2); short protein forms R2410Q, R2422Q.
Identifiers: ClinVar variation 1222066 (VCV001222066.10), dbSNP rs538832087, ClinGen allele CA5906111.
Genomic context (GRCh38, chr11:17,633,836, plus strand): 5'-CAGAGCACTGCCAGGTGCTGGGCGAGGGCTGCGTCTGCTCCGAGGGCACCATCTTACACC[G>A]GCGCCACTCTGCACTCTGCATCCCGGAGGCCAAGTGCGGTAGGTTCCTCCCCTCCCTGAG-3'
Protein context (NP_001278992.1, residues 2400-2420): CVCSEGTILH[Arg2410Gln]RHSALCIPEA